The following is an entry in ClinVar:

NM_001374736.1(DST):c.13652C>T (p.Ala4551Val)

Gene: DST (dystonin; minus strand). Cytogenetic location: 6p12.1.
Variant type: single nucleotide variant.
Coding change: c.13652C>T on transcript NM_001374736.1 (MANE Select); coding-DNA position 13652, C replaced by T.
Protein change: p.Ala4551Val; replaces alanine 4551 with valine.
Molecular consequence: missense variant.
Genome position (GRCh38, 1-based): chr6:56,572,169, G>A on the plus strand (C>T on the coding strand, the complement: DST is on the minus strand). VCF-style: chr6-56572169-G-A. GRCh37 (hg19) VCF-style: chr6-56436967-G-A.
Other names: c.7295C>T, p.Ala2432Val (NM_001144769.5); c.6881C>T, p.Ala2294Val (NM_001144770.2); c.13652C>T, p.Ala4551Val (NM_001374722.1); c.13019C>T, p.Ala4340Val (NM_001374729.1); c.6761C>T, p.Ala2254Val (NM_001374730.1, NM_001386100.1, NM_183380.4); c.13679C>T, p.Ala4560Val (NM_001374734.1); c.5783C>T, p.Ala1928Val (NM_015548.5); short protein forms A4340V, A2432V, A2254V, A4560V, A1928V, A2294V, A4551V.
Identifiers: ClinVar variation 1434462 (VCV001434462.5), dbSNP rs769360543, ClinGen allele CA3868180.

ClinVar aggregate classification (germline): Uncertain significance (1 of 4 stars; one submission).

Conditions:
Hereditary sensory and autonomic neuropathy type 6. Also called: HSAN VI; Neuropathy, hereditary sensory and autonomic, type VI. Identifiers: Orphanet 314381, MedGen C3539003, MONDO:0013839, OMIM 614653.
Epidermolysis bullosa simplex 3, localized or generalized intermediate, with BP230 deficiency (EBS3). Also called: Epidermolysis bullosa simplex, autosomal recessive 2; Epidermolysis bullosa simplex due to BP230 deficiency. Identifiers: Orphanet 412181, MedGen C3809470, MONDO:0014180, OMIM 615425.

Allele frequency attached by ClinVar (database versions not stated): gnomAD exomes 0.00001; gnomAD 0.00003 and 0.00004; ExAC 0.00004; TOPMed 0.00005.
gnomAD v4.1: 13 of 1,552,130 alleles (0.00084%); highest among the groups gnomAD compares: African/African-American, 0.015%; no homozygotes.

Submission:

Labcorp Genetics (formerly Invitae), Labcorp
Classification: Uncertain significance for Epidermolysis bullosa simplex 3, localized or generalized intermediate, with BP230 deficiency; Hereditary sensory and autonomic neuropathy type 6. Last evaluated: 2024-11-07. Review status: criteria provided, single submitter. Criteria: Invitae Variant Classification Sherloc (09022015). Collection method: clinical testing. Allele origin: germline.
Comment: The DST gene has multiple clinically relevant transcripts. This variant occurs in alternate transcript NM_015548.4, and corresponds to NM_001723.5:c.*43348C>T in the primary transcript. This sequence change replaces alanine, which is neutral and non-polar, with valine, which is neutral and non-polar, at codon 1928 of the DST protein (p.Ala1928Val). This variant is present in population databases (rs769360543, gnomAD 0.02%). This variant has not been reported in the literature in individuals affected with DST-related conditions. In summary, the available evidence is currently insufficient to determine the role of this variant in disease. Therefore, it has been classified as a Variant of Uncertain Significance.